The following is an entry in ClinVar:

NM_000318.3(PEX2):c.238G>A (p.Val80Ile)

Gene: PEX2 (peroxisomal biogenesis factor 2; minus strand). Cytogenetic location: 8q21.13.
Variant type: single nucleotide variant.
Coding change: c.238G>A on transcript NM_000318.3 (MANE Select); coding-DNA position 238, G replaced by A.
Protein change: p.Val80Ile; replaces valine 80 with isoleucine.
Molecular consequence: missense variant.
Genome position (GRCh38, 1-based): chr8:76,983,941, C>T on the plus strand (G>A on the coding strand, the complement: PEX2 is on the minus strand). VCF-style: chr8-76983941-C-T. GRCh37 (hg19) VCF-style: chr8-77896177-C-T.
Other names: c.238G>A, p.Val80Ile (NM_001079867.2, NM_001172086.2, NM_001172087.2); short protein forms V80I.
Identifiers: ClinVar variation 2154955 (VCV002154955.3), dbSNP rs750302767, ClinGen allele CA4788747.
Genomic context (GRCh38, chr8:76,983,941, plus strand): 5'-TACTGGGTGGCTGATATCTCAGGTTAGGGGAAAAATCATTTTTGTACTTAATATTCAAAA[C>T]TGACTGTCCCACTGTGGCATTTTTGGAGTAGATGGTGAATCTCCACAAGAAAACCCATAA-3'
Protein context (NP_000309.2, residues 70-90): YSKNATVGQS[Val80Ile]LNIKYKNDFS

ClinVar aggregate classification (germline): Uncertain significance (1 of 4 stars; one submission).

Conditions:
Peroxisome biogenesis disorder 5A (Zellweger) (PBD5A). Identifiers: Orphanet 912, MedGen C3553940, MONDO:0013932, OMIM 614866.

Allele frequency attached by ClinVar (database versions not stated): ExAC 0.00001; gnomAD exomes 0.00001.

Submission:

Labcorp Genetics (formerly Invitae), Labcorp
Classification: Uncertain significance for Peroxisome biogenesis disorder 5A (Zellweger). Last evaluated: 2022-10-24. Review status: criteria provided, single submitter. Criteria: Invitae Variant Classification Sherloc (09022015). Collection method: clinical testing. Allele origin: germline.
Comment: In summary, the available evidence is currently insufficient to determine the role of this variant in disease. Therefore, it has been classified as a Variant of Uncertain Significance. This sequence change replaces valine, which is neutral and non-polar, with isoleucine, which is neutral and non-polar, at codon 80 of the PEX2 protein (p.Val80Ile). Advanced modeling of protein sequence and biophysical properties (such as structural, functional, and spatial information, amino acid conservation, physicochemical variation, residue mobility, and thermodynamic stability) performed at Invitae indicates that this missense variant is not expected to disrupt PEX2 protein function. This variant has not been reported in the literature in individuals affected with PEX2-related conditions. This variant is present in population databases (rs750302767, gnomAD 0.009%).